The following is an entry in ClinVar:

ClinVar aggregate classification (germline): Uncertain significance (1 of 4 stars; one submission).

Submission:

Labcorp Genetics (formerly Invitae), Labcorp
Classification: Uncertain significance. Last evaluated: 2022-09-01. Review status: criteria provided, single submitter. Criteria: Invitae Variant Classification Sherloc (09022015). Collection method: clinical testing. Allele origin: germline.
Comment: In summary, the available evidence is currently insufficient to determine the role of this variant in disease. Therefore, it has been classified as a Variant of Uncertain Significance. Advanced modeling of protein sequence and biophysical properties (such as structural, functional, and spatial information, amino acid conservation, physicochemical variation, residue mobility, and thermodynamic stability) performed at Invitae indicates that this missense variant is expected to disrupt CACNA1E protein function. ClinVar contains an entry for this variant (Variation ID: 1418304). This variant has not been reported in the literature in individuals affected with CACNA1E-related conditions. This variant is not present in population databases (gnomAD no frequency). This sequence change replaces methionine, which is neutral and non-polar, with valine, which is neutral and non-polar, at codon 1300 of the CACNA1E protein (p.Met1300Val).

NM_001205293.3(CACNA1E):c.3898A>G (p.Met1300Val)

Gene: CACNA1E (calcium voltage-gated channel subunit alpha1 E; plus strand). Cytogenetic location: 1q25.3.
Variant type: single nucleotide variant.
Coding change: c.3898A>G on transcript NM_001205293.3 (MANE Select); coding-DNA position 3898, A replaced by G.
Protein change: p.Met1300Val; replaces methionine 1300 with valine.
Molecular consequence: missense variant.
Genome position (GRCh38, 1-based): chr1:181,755,306, A>G. VCF-style: chr1-181755306-A-G. GRCh37 (hg19) VCF-style: chr1-181724442-A-G.
Other names: c.3898A>G, p.Met1300Val (NM_000721.4); c.3841A>G, p.Met1281Val (NM_001205294.2); short protein forms M1300V, M1281V.
Identifiers: ClinVar variation 1418304 (VCV001418304.8), dbSNP rs1033599027, ClinGen allele CA33828685.